The following is an entry in ClinVar:

NM_001378778.1(MPDZ):c.71G>A (p.Arg24His)

Gene: MPDZ (multiple PDZ domain crumbs cell polarity complex component; minus strand). Cytogenetic location: 9p23.
Variant type: single nucleotide variant.
Coding change: c.71G>A on transcript NM_001378778.1 (MANE Select); coding-DNA position 71, G replaced by A.
Protein change: p.Arg24His; replaces arginine 24 with histidine.
Molecular consequence: missense variant.
Genome position (GRCh38, 1-based): chr9:13,247,747, C>T on the plus strand (G>A on the coding strand, the complement: MPDZ is on the minus strand). VCF-style: chr9-13247747-C-T. GRCh37 (hg19) VCF-style: chr9-13247746-C-T.
Other names: c.71G>A, p.Arg24His (NM_001261406.2, NM_001261407.2, NM_001330637.2 and 14 more transcripts); c.71G>A (NM_003829.3); short protein forms R24H.
Identifiers: ClinVar variation 1525121 (VCV001525121.6), dbSNP rs776536465, ClinGen allele CA4988248.

ClinVar aggregate classification (germline): Uncertain significance. Review status: criteria provided, multiple submitters, no conflicts (2 of 4 stars). 2 submissions from 2 submitters: Uncertain significance (2). Last evaluated 2022-10-24.

Conditions:
Inborn genetic diseases. Identifiers: MedGen C0950123, MeSH D030342.

Allele frequency attached by ClinVar (database versions not stated): gnomAD exomes 0.00003; ExAC 0.00003.
gnomAD v4.1: 97 of 1,612,822 alleles (0.006%); highest among the groups gnomAD compares: Middle Eastern, 0.016%; no homozygotes.

Submissions (2):

Labcorp Genetics (formerly Invitae), Labcorp
Classification: Uncertain significance. Last evaluated: 2022-10-24. Review status: criteria provided, single submitter. Criteria: Invitae Variant Classification Sherloc (09022015). Collection method: clinical testing. Allele origin: germline.
Comment: This sequence change replaces arginine, which is basic and polar, with histidine, which is basic and polar, at codon 24 of the MPDZ protein (p.Arg24His). This variant is present in population databases (rs776536465, gnomAD 0.007%). This variant has not been reported in the literature in individuals affected with MPDZ-related conditions. ClinVar contains an entry for this variant (Variation ID: 1525121). Algorithms developed to predict the effect of missense changes on protein structure and function (SIFT, PolyPhen-2, Align-GVGD) all suggest that this variant is likely to be disruptive. In summary, the available evidence is currently insufficient to determine the role of this variant in disease. Therefore, it has been classified as a Variant of Uncertain Significance.

Ambry Genetics
Classification: Uncertain significance for Inborn genetic diseases. Last evaluated: 2022-09-29. Review status: criteria provided, single submitter. Criteria: Ambry Variant Classification Scheme 2023. Collection method: clinical testing. Allele origin: germline.